The following is an entry in ClinVar:

NM_000238.4(KCNH2):c.1802G>A (p.Gly601Asp)

Gene: KCNH2 (potassium voltage-gated channel subfamily H member 2; minus strand). Cytogenetic location: 7q36.1.
Variant type: single nucleotide variant.
Coding change: c.1802G>A on transcript NM_000238.4 (MANE Select); coding-DNA position 1802, G replaced by A.
Protein change: p.Gly601Asp; replaces glycine 601 with aspartic acid.
Molecular consequence: missense variant.
Genome position (GRCh38, 1-based): chr7:150,951,591, C>T on the plus strand (G>A on the coding strand, the complement: KCNH2 is on the minus strand). VCF-style: chr7-150951591-C-T. GRCh37 (hg19) VCF-style: chr7-150648679-C-T.
Other names: p.G601D:GGC>GAC; c.782G>A, p.Gly261Asp (NM_001204798.2, NM_172057.3); c.1514G>A, p.Gly505Asp (NM_001406753.1, NM_001406756.1); c.1625G>A, p.Gly542Asp (NM_001406755.1); c.1502G>A, p.Gly501Asp (NM_001406757.1); c.1802G>A, p.Gly601Asp (NM_172056.3); short protein forms G261D, G601D, G542D, G501D, G505D.
Identifiers: ClinVar variation 200730 (VCV000200730.8), dbSNP rs794728480, ClinGen allele CA005538.

ClinVar aggregate classification (germline): Conflicting classifications of pathogenicity. Review status: criteria provided, conflicting classifications (1 of 4 stars). 2 submissions from 2 submitters: Likely pathogenic (1); Uncertain significance (1). Last evaluated 2022-03-29.

Conditions:
Short QT syndrome type 1. Identifiers: Orphanet 51083, MedGen C1865020, MONDO:0012312, OMIM 609620.
Long QT syndrome 2 (LQT2). Identifiers: Orphanet 101016, Orphanet 768, MedGen C3150943, MONDO:0013367, OMIM 613688.

Submissions (2):

GeneDx
Classification: Likely pathogenic. Last evaluated: 2022-03-29. Review status: criteria provided, single submitter. Criteria: GeneDx Variant Classification Process June 2021. Collection method: clinical testing. Allele origin: germline. Affected: yes.
Comment: Reported in one individual with LQTS, however clinical and segregation data were not provided (Chinushi et al., 2011); Not observed in large population cohorts (gnomAD); In silico analysis supports that this missense variant does not alter protein structure/function; This variant is associated with the following publications: (PMID: 21841328, 27535533)

Juno Genomics, Hangzhou Juno Genomics, Inc
Classification: Uncertain significance for Long QT syndrome 2; Short QT syndrome type 1. Review status: criteria provided, single submitter. Criteria: ACMG Guidelines, 2015. Collection method: clinical testing. Allele origin: germline. Affected: yes.
Comment: Absent from controls (or at extremely low frequency if recessive) in Genome Aggregation Database, Exome Sequencing Project, 1000 Genomes Project, or Exome Aggregation Consortium.;Novel missense change at an amino acid residue where a different missense change determined to be pathogenic has been seen before.;The prevalence of the variant in affected individuals is significantly increased compared to the prevalence in controls.